The following is an entry in ClinVar:

NM_001470.4(GABBR1):c.599A>G (p.Asn200Ser)

Gene: GABBR1 (gamma-aminobutyric acid type B receptor subunit 1; minus strand). Cytogenetic location: 6p22.1.
Variant type: single nucleotide variant.
Coding change: c.599A>G on transcript NM_001470.4 (MANE Select); coding-DNA position 599, A replaced by G.
Protein change: p.Asn200Ser; replaces asparagine 200 with serine.
Molecular consequence: missense variant.
Genome position (GRCh38, 1-based): chr6:29,627,544, T>C on the plus strand (A>G on the coding strand, the complement: GABBR1 is on the minus strand). VCF-style: chr6-29627544-T-C. GRCh37 (hg19) VCF-style: chr6-29595321-T-C.
Other names: c.68A>G, p.Asn23Ser (NM_001319053.2); c.248A>G, p.Asn83Ser (NM_021903.3); c.413A>G, p.Asn138Ser (NM_021904.4); short protein forms N138S, N200S, N23S, N83S.
Identifiers: ClinVar variation 4686468 (VCV004686468.1).

ClinVar aggregate classification (germline): Uncertain significance (1 of 4 stars; one submission).

gnomAD v4.1: 2 of 1,596,706 alleles (0.00013%); highest among the groups gnomAD compares: Non-Finnish European, 0.00017%; no homozygotes.

Submission:

GeneDx
Classification: Uncertain significance. Last evaluated: 2025-07-16. Review status: criteria provided, single submitter. Criteria: GeneDx Variant Classification Process June 2021. Collection method: clinical testing. Allele origin: germline. Affected: yes.
Comment: Not observed at significant frequency in large population cohorts (gnomAD); In silico analysis supports that this missense variant has a deleterious effect on protein structure/function; Has not been previously published as pathogenic or benign to our knowledge